The following is an entry in ClinVar:

ClinVar aggregate classification (germline): Conflicting classifications of pathogenicity. Review status: criteria provided, conflicting classifications (1 of 4 stars). 8 submissions from 8 submitters: Uncertain significance (6); Likely benign (1). 1 of the submissions does not count toward it. Last evaluated 2026-03-25.

Conditions:
APC-related disorder. Also called: APC-related condition.
Hereditary cancer-predisposing syndrome. Also called: Hereditary neoplastic syndrome; Tumor predisposition; Hereditary Cancer Syndrome; Neoplastic Syndromes, Hereditary. Identifiers: Orphanet 140162, MedGen C0027672, MeSH D009386, MONDO:0015356.
Familial adenomatous polyposis 1 (FAP1). Also called: FAMILIAL ADENOMATOUS POLYPOSIS 1, ATTENUATED; POLYPOSIS, ADENOMATOUS INTESTINAL. Identifiers: MedGen C2713442, MONDO:0021056, OMIM 175100. Disease mechanism: loss of function.

Allele frequency attached by ClinVar (database versions not stated): TOPMed 0.00002; gnomAD 0.00001.
gnomAD v4.1: 2 of 1,613,998 alleles (0.00012%); highest among the groups gnomAD compares: Non-Finnish European, 0.000085%; no homozygotes.

Submissions (8):

Ambry Genetics
Classification: Likely benign for Hereditary cancer-predisposing syndrome. Last evaluated: 2026-03-25. Review status: criteria provided, single submitter. Criteria: Ambry Variant Classification Scheme 2023. Collection method: clinical testing. Allele origin: germline.

Labcorp Genetics (formerly Invitae), Labcorp
Classification: Uncertain significance for Familial adenomatous polyposis 1. Last evaluated: 2026-02-03. Review status: criteria provided, single submitter. Criteria: Invitae Variant Classification Sherloc (09022015). Collection method: clinical testing. Allele origin: germline.
Comment: This sequence change replaces isoleucine, which is neutral and non-polar, with valine, which is neutral and non-polar, at codon 390 of the APC protein (p.Ile390Val). This variant is not present in population databases (gnomAD no frequency). This variant has not been reported in the literature in individuals affected with APC-related conditions. ClinVar contains an entry for this variant (Variation ID: 411512). Invitae Evidence Modeling of protein sequence and biophysical properties (such as structural, functional, and spatial information, amino acid conservation, physicochemical variation, residue mobility, and thermodynamic stability) indicates that this missense variant is not expected to disrupt APC protein function with a negative predictive value of 95%. In summary, the available evidence is currently insufficient to determine the role of this variant in disease. Therefore, it has been classified as a Variant of Uncertain Significance.

Dasa
Classification: Uncertain significance. Last evaluated: 2025-10-25. Review status: criteria provided, single submitter. Criteria: DASA Assertion Criteria. Collection method: clinical testing. Allele origin: germline.
Comment: NM_000038.6(APC):c.1168A>G (p.Ile390Val) is a missense variant that results in the substitution of isoleucine with valine. This variant is rare in population databases. The currently available literature and clinical evidence are not sufficient to establish a definitive association between this variant and the reported condition. Therefore, this variant is classified as a variant of uncertain significance.

St. Jude Molecular Pathology, St. Jude Children's Research Hospital
Classification: Uncertain significance for Familial adenomatous polyposis 1. Last evaluated: 2024-08-24. Review status: criteria provided, single submitter. Criteria: St. Jude Assertion Criteria 2020. Collection method: clinical testing. Allele origin: germline.
Comment: The APC c.1168A>G (p.Ile390Val) missense change is absent in gnomAD v2.1.1. The in silico tool REVEL predicts a benign effect on protein function, but to our knowledge this prediction has not been confirmed by functional studies. To our knowledge, this variant has not been reported in the literature in individuals with APC-related disease. In summary, the evidence currently available is insufficient to determine the clinical significance of this variant. It has therefore been classified as of uncertain significance.

Color Diagnostics, LLC DBA Color Health
Classification: Uncertain significance for Hereditary cancer-predisposing syndrome. Last evaluated: 2024-05-23. Review status: criteria provided, single submitter. Criteria: ACMG Guidelines, 2015. Collection method: clinical testing. Allele origin: germline.
Comment: This missense variant replaces isoleucine with valine at codon 390 of the APC protein. Computational prediction suggests that this variant may not impact protein structure and function. To our knowledge, functional studies have not been reported for this variant. This variant has not been reported in individuals affected with APC-related disorders in the literature. This variant has not been identified in the general population by the Genome Aggregation Database (gnomAD). The available evidence is insufficient to determine the role of this variant in disease conclusively. Therefore, this variant is classified as a Variant of Uncertain Significance.

Baylor Genetics
Classification: Uncertain significance for Familial adenomatous polyposis 1. Last evaluated: 2023-10-19. Review status: criteria provided, single submitter. Criteria: ACMG Guidelines, 2015. Collection method: clinical testing. Allele origin: unknown.

Quest Diagnostics Nichols Institute San Juan Capistrano
Classification: Uncertain significance. Last evaluated: 2023-04-12. Review status: criteria provided, single submitter. Criteria: Quest Diagnostics criteria. Collection method: clinical testing. Allele origin: unknown.
Comment: To the best of our knowledge, the variant has not been reported in the published literature. The frequency of this variant in the general population, 0.0000066 (1/152190 chromosomes), is uninformative in assessment of its pathogenicity. Analysis of this variant using bioinformatics tools for the prediction of the effect of amino acid changes on protein structure and function yielded predictions that this variant is benign. Based on the available information, we are unable to determine the clinical significance of this variant.

PreventionGenetics, part of Exact Sciences
Classification: Uncertain significance for APC-related condition. Last evaluated: 2024-07-18. Review status: no assertion criteria provided. Collection method: clinical testing. Allele origin: germline. Not counted in ClinVar's aggregate classification.
Comment: The APC c.1168A>G variant is predicted to result in the amino acid substitution p.Ile390Val. To our knowledge, this variant has not been reported in the literature or in a large population database, indicating this variant is rare. This variant is interpreted as a variant of uncertain significance in ClinVar. At this time, the clinical significance of this variant is uncertain due to the absence of conclusive functional and genetic evidence.

NM_000038.6(APC):c.1168A>G (p.Ile390Val)

Gene: APC (APC regulator of Wnt signaling pathway; plus strand). Cytogenetic location: 5q22.2.
Variant type: single nucleotide variant.
Coding change: c.1168A>G on transcript NM_000038.6 (MANE Select); coding-DNA position 1168, A replaced by G.
Protein change: p.Ile390Val; replaces isoleucine 390 with valine.
Molecular consequence: missense variant. On other transcripts: intron variant (4).
Genome position (GRCh38, 1-based): chr5:112,819,200, A>G. VCF-style: chr5-112819200-A-G. GRCh37 (hg19) VCF-style: chr5-112154897-A-G.
Other names: c.1168A>G, p.Ile390Val (NM_001127510.3, NM_001354895.2, NM_001354896.2); c.1114A>G, p.Ile372Val (NM_001127511.3); c.1198A>G, p.Ile400Val (NM_001354897.2); c.1093A>G, p.Ile365Val (NM_001354898.2); c.1084A>G, p.Ile362Val (NM_001354899.2); c.991A>G, p.Ile331Val (NM_001354900.2, NM_001354901.2); c.319A>G, p.Ile107Val (NM_001354906.2); c.964-69A>G (NM_001354902.2); and 3 more; short protein forms I390V, I372V, I331V, I362V, I365V, I400V, I107V.
Identifiers: ClinVar variation 411512 (VCV000411512.21), dbSNP rs1060503345, ClinGen allele CA16023863.